The following is an entry in ClinVar:

NM_001211.6(BUB1B):c.1123G>A (p.Glu375Lys)

Gene: BUB1B (BUB1 mitotic checkpoint serine/threonine kinase B; plus strand). Cytogenetic location: 15q15.1.
Variant type: single nucleotide variant.
Coding change: c.1123G>A on transcript NM_001211.6 (MANE Select); coding-DNA position 1123, G replaced by A.
Protein change: p.Glu375Lys; replaces glutamic acid 375 with lysine.
Molecular consequence: missense variant.
Genome position (GRCh38, 1-based): chr15:40,196,609, G>A. VCF-style: chr15-40196609-G-A. GRCh37 (hg19) VCF-style: chr15-40488810-G-A.
Other names: c.1123G>A (NM_001211.5); short protein forms E375K.
Identifiers: ClinVar variation 1045225 (VCV001045225.11), dbSNP rs981618923, ClinGen allele CA268790984.

ClinVar aggregate classification (germline): Uncertain significance. Review status: criteria provided, multiple submitters, no conflicts (2 of 4 stars). 2 submissions from 2 submitters: Uncertain significance (2). Last evaluated 2025-11-03.

Conditions:
Inborn genetic diseases. Identifiers: MedGen C0950123, MeSH D030342.
Mosaic variegated aneuploidy syndrome 1 (MVA1). Also called: Warburton-Anyane-Yeboa syndrome. Identifiers: Orphanet 1052, MedGen C1850343, MONDO:0009759, OMIM 257300.

Allele frequency attached by ClinVar (database versions not stated): gnomAD exomes below 0.00001 and 0.00001; TOPMed 0.00004; gnomAD 0.00005 and 0.00008.
gnomAD v4.1: 10 of 1,613,898 alleles (0.00062%); highest among the groups gnomAD compares: African/African-American, 0.013%; no homozygotes.

Submissions (2):

Ambry Genetics
Classification: Uncertain significance for Inborn genetic diseases. Last evaluated: 2025-11-03. Review status: criteria provided, single submitter. Criteria: Ambry Variant Classification Scheme 2023. Collection method: clinical testing. Allele origin: germline.

Labcorp Genetics (formerly Invitae), Labcorp
Classification: Uncertain significance for Mosaic variegated aneuploidy syndrome 1. Last evaluated: 2021-03-22. Review status: criteria provided, single submitter. Criteria: Invitae Variant Classification Sherloc (09022015). Collection method: clinical testing. Allele origin: germline.
Comment: This sequence change replaces glutamic acid with lysine at codon 375 of the BUB1B protein (p.Glu375Lys). The glutamic acid residue is moderately conserved and there is a small physicochemical difference between glutamic acid and lysine. This variant is not present in population databases (ExAC no frequency). In summary, the available evidence is currently insufficient to determine the role of this variant in disease. Therefore, it has been classified as a Variant of Uncertain Significance. Algorithms developed to predict the effect of missense changes on protein structure and function are either unavailable or do not agree on the potential impact of this missense change (SIFT: "Tolerated"; PolyPhen-2: "Possibly Damaging"; Align-GVGD: "Class C0"). This variant has not been reported in the literature in individuals with BUB1B-related conditions.